The following is an entry in ClinVar:

ClinVar aggregate classification (germline): Uncertain significance. Review status: criteria provided, multiple submitters, no conflicts (2 of 4 stars). 2 submissions from 2 submitters: Uncertain significance (2). Last evaluated 2025-05-06.

Conditions:
Russell-Silver syndrome. Identifiers: Orphanet 813, MedGen C0175693, MONDO:0008394.

gnomAD v4.1: 31 of 1,605,182 alleles (0.0019%); highest among the groups gnomAD compares: Admixed American, 0.0017%; no homozygotes.

Submissions (2):

Ambry Genetics
Classification: Uncertain significance. Last evaluated: 2025-05-06. Review status: criteria provided, single submitter. Criteria: Ambry Variant Classification Scheme 2023. Collection method: clinical testing. Allele origin: germline.

Broad Center for Mendelian Genomics, Broad Institute of MIT and Harvard
Classification: Uncertain significance for Russell-Silver syndrome. Last evaluated: 2024-11-25. Review status: criteria provided, single submitter. Criteria: ACMG Guidelines, 2015. Collection method: curation. Allele origin: germline. Inheritance: Autosomal dominant inheritance. Study: GREGoR Consortium.
Comment: The heterozygous p.Cys540Gly variant in FLYWCH1 was identified by our study in a duo with Silver-Russell syndrome. While this gene is still lacking sufficient evidence to establish a gene-disease relationship, we believe this is a possible novel gene candidate for Silver-Russell syndrome. Given the limited information about this gene-disease relationship, the significance of the p.Cys540Gly variant is uncertain. If you have any additional information about functional evidence or other individuals with this phenotype that also have variants in FLYWCH1 we encourage you to reach out to us.

NM_001308068.2(FLYWCH1):c.1618T>G (p.Cys540Gly)

Gene: FLYWCH1 (FLYWCH-type zinc finger 1; plus strand). Cytogenetic location: 16p13.3.
Variant type: single nucleotide variant.
Coding change: c.1618T>G on transcript NM_001308068.2 (MANE Select); coding-DNA position 1618, T replaced by G.
Protein change: p.Cys540Gly; replaces cysteine 540 with glycine.
Molecular consequence: missense variant.
Genome position (GRCh38, 1-based): chr16:2,937,225, T>G. VCF-style: chr16-2937225-T-G. GRCh37 (hg19) VCF-style: chr16-2987226-T-G.
Other names: NM_032296.3:c.1615T>G; c.1615T>G (NM_032296.2); c.1615T>G, p.Cys539Gly (NM_020912.2, NM_032296.3); short protein forms C539G, C540G.
Identifiers: ClinVar variation 3383299 (VCV003383299.2).
Genomic context (GRCh38, chr16:2,937,225, plus strand): 5'-GTGTACGAGTCCTTCCTCTACCGGCGGGAGAAGGCGGCCGGGGAGAAGGTGTATTGGACC[T>G]GCCGGGACCAGGCCCGCATGGGCTGCCGCAGCCGCGCCATCACCCAGGGCCGGCGGGTCA-3'
Protein context (NP_001294997.1, residues 530-550): KAAGEKVYWT[Cys540Gly]RDQARMGCRS